The following is an entry in ClinVar:

ClinVar aggregate classification (germline): Likely benign. Review status: criteria provided, multiple submitters, no conflicts (2 of 4 stars). 4 submissions from 4 submitters: Likely benign (4). Last evaluated 2026-02-01.

Conditions:
Cardiovascular phenotype. Identifiers: MedGen CN230736.
Dilated cardiomyopathy 1O (CMD1O). Also called: CARDIOMYOPATHY, DILATED, WITH VENTRICULAR TACHYCARDIA. Identifiers: Orphanet 154, MedGen C1837839, MONDO:0012062, OMIM 608569.

Allele frequency attached by ClinVar (database versions not stated): gnomAD 0.00001; gnomAD exomes 0.00001; TOPMed 0.00001; ExAC 0.00002.
gnomAD v4.1: 16 of 1,613,620 alleles (0.00099%); highest among the groups gnomAD compares: East Asian, 0.0022%; no homozygotes.

Submissions (4):

Labcorp Genetics (formerly Invitae), Labcorp
Classification: Likely benign for Dilated cardiomyopathy 1O. Last evaluated: 2026-02-01. Review status: criteria provided, single submitter. Criteria: Invitae Variant Classification Sherloc (09022015). Collection method: clinical testing. Allele origin: germline.

Blueprint Genetics
Classification: Likely benign. Last evaluated: 2022-09-26. Review status: criteria provided, single submitter. Criteria: ACMG Guidelines, 2015. Collection method: clinical testing. Allele origin: germline.

Ambry Genetics
Classification: Likely benign for Cardiovascular phenotype. Last evaluated: 2021-04-28. Review status: criteria provided, single submitter. Criteria: Ambry Variant Classification Scheme 2023. Collection method: clinical testing. Allele origin: germline.

GeneDx
Classification: Likely benign. Last evaluated: 2017-08-16. Review status: criteria provided, single submitter. Criteria: GeneDx Variant Classification (06012015). Collection method: clinical testing. Allele origin: germline. Affected: yes.
Comment: This variant is considered likely benign or benign based on one or more of the following criteria: it is a conservative change, it occurs at a poorly conserved position in the protein, it is predicted to be benign by multiple in silico algorithms, and/or has population frequency not consistent with disease.

NM_020297.4(ABCC9):c.4320G>A (p.Ala1440=)

Genes: ABCC9 (ATP binding cassette subfamily C member 9; minus strand), KCNJ8-AS1 (KCNJ8 antisense RNA 1; plus strand). Cytogenetic location: 12p12.1.
Variant type: single nucleotide variant.
Coding change: c.4320G>A on transcript NM_020297.4 (MANE Select); coding-DNA position 4320, G replaced by A.
Protein change: p.Ala1440=; no amino-acid change (alanine 1440 retained).
Molecular consequence: synonymous variant.
Genome position (GRCh38, 1-based): chr12:21,807,475, C>T on the plus strand (G>A on the coding strand, the complement: ABCC9 is on the minus strand). VCF-style: chr12-21807475-C-T. GRCh37 (hg19) VCF-style: chr12-21960409-C-T.
Other names: c.4320G>A, p.Ala1440= (NM_001377273.1, NM_005691.4); c.3453G>A, p.Ala1151= (NM_001377274.1).
Identifiers: ClinVar variation 511354 (VCV000511354.11), dbSNP rs377289768, ClinGen allele CA6480877.